The following is an entry in ClinVar:

ClinVar aggregate classification (germline): Uncertain significance (1 of 4 stars; one submission).

Submission:

Labcorp Genetics (formerly Invitae), Labcorp
Classification: Uncertain significance. Last evaluated: 2025-04-29. Review status: criteria provided, single submitter. Criteria: Invitae Variant Classification Sherloc (09022015). Collection method: clinical testing. Allele origin: germline.
Comment: This sequence change affects codon 369 of the SLCO5A1 mRNA. It is a 'silent' change, meaning that it does not change the encoded amino acid sequence of the SLCO5A1 protein. This variant is not present in population databases (gnomAD no frequency). This variant has not been reported in the literature in individuals affected with SLCO5A1-related conditions. Algorithms developed to predict the effect of sequence changes on RNA splicing suggest that this variant may create or strengthen a splice site. In summary, the available evidence is currently insufficient to determine the role of this variant in disease. Therefore, it has been classified as a Variant of Uncertain Significance.

NM_030958.3(SLCO5A1):c.1107A>C (p.Pro369=)

Gene: SLCO5A1 (solute carrier organic anion transporter family member 5A1; minus strand). Cytogenetic location: 8q13.3.
Variant type: single nucleotide variant.
Coding change: c.1107A>C on transcript NM_030958.3 (MANE Select); coding-DNA position 1107, A replaced by C.
Protein change: p.Pro369=; no amino-acid change (proline 369 retained).
Molecular consequence: synonymous variant.
Genome position (GRCh38, 1-based): chr8:69,755,575, T>G on the plus strand (A>C on the coding strand, the complement: SLCO5A1 is on the minus strand). VCF-style: chr8-69755575-T-G. GRCh37 (hg19) VCF-style: chr8-70667810-T-G.
Other names: c.1107A>C, p.Pro369= (NM_001146008.2, NM_001146009.1).
Identifiers: ClinVar variation 4781662 (VCV004781662.1).